The following is an entry in ClinVar:

ClinVar aggregate classification (germline): Uncertain significance (1 of 4 stars; one submission).

Conditions:
Hereditary cancer-predisposing syndrome. Also called: Neoplastic Syndromes, Hereditary; Tumor predisposition; Hereditary Cancer Syndrome; Hereditary neoplastic syndrome. Identifiers: Orphanet 140162, MedGen C0027672, MeSH D009386, MONDO:0015356.

Submission:

Ambry Genetics
Classification: Uncertain significance for Hereditary cancer-predisposing syndrome. Last evaluated: 2026-05-31. Review status: criteria provided, single submitter. Criteria: Ambry Variant Classification Scheme 2023. Collection method: clinical testing. Allele origin: germline.
Comment: The p.D115A variant (also known as c.344A>C), located in coding exon 3 of the SDHAF2 gene, results from an A to C substitution at nucleotide position 344. The aspartic acid at codon 115 is replaced by alanine, an amino acid with dissimilar properties. This amino acid position is conserved. In addition, this alteration is predicted to be deleterious by in silico analysis. Based on the available evidence, the clinical significance of this variant remains unclear.

NM_017841.4(SDHAF2):c.344A>C (p.Asp115Ala)

Gene: SDHAF2 (succinate dehydrogenase complex assembly factor 2; plus strand). Cytogenetic location: 11q12.2.
Variant type: single nucleotide variant.
Coding change: c.344A>C on transcript NM_017841.4 (MANE Select); coding-DNA position 344, A replaced by C.
Protein change: p.Asp115Ala; replaces aspartic acid 115 with alanine.
Molecular consequence: missense variant.
Genome position (GRCh38, 1-based): chr11:61,438,087, A>C. VCF-style: chr11-61438087-A-C. GRCh37 (hg19) VCF-style: chr11-61205559-A-C.
Other names: short protein forms D115A.
Identifiers: ClinVar variation 4864248 (VCV004864248.1).